The following is an entry in ClinVar:

ClinVar aggregate classification (germline): Uncertain significance (1 of 4 stars; one submission).

Allele frequency attached by ClinVar (database versions not stated): ExAC 0.00001; gnomAD 0.00003; TOPMed 0.00003.
gnomAD v4.1: 7 of 1,614,082 alleles (0.00043%); highest among the groups gnomAD compares: African/African-American, 0.0093%; no homozygotes.

Submission:

Labcorp Genetics (formerly Invitae), Labcorp
Classification: Uncertain significance. Last evaluated: 2023-09-08. Review status: criteria provided, single submitter. Criteria: Invitae Variant Classification Sherloc (09022015). Collection method: clinical testing. Allele origin: germline.
Comment: This sequence change replaces glutamic acid, which is acidic and polar, with aspartic acid, which is acidic and polar, at codon 1170 of the CAMTA1 protein (p.Glu1170Asp). This variant is present in population databases (rs759550867, gnomAD 0.02%). This variant has not been reported in the literature in individuals affected with CAMTA1-related conditions. An algorithm developed to predict the effect of missense changes on protein structure and function (PolyPhen-2) suggests that this variant is likely to be disruptive. In summary, the available evidence is currently insufficient to determine the role of this variant in disease. Therefore, it has been classified as a Variant of Uncertain Significance.

NM_015215.4(CAMTA1):c.3510G>T (p.Glu1170Asp)

Gene: CAMTA1 (calmodulin binding transcription activator 1; plus strand). Cytogenetic location: 1p36.23.
Variant type: single nucleotide variant.
Coding change: c.3510G>T on transcript NM_015215.4 (MANE Select); coding-DNA position 3510, G replaced by T.
Protein change: p.Glu1170Asp; replaces glutamic acid 1170 with aspartic acid.
Molecular consequence: missense variant.
Genome position (GRCh38, 1-based): chr1:7,737,422, G>T. VCF-style: chr1-7737422-G-T. GRCh37 (hg19) VCF-style: chr1-7797482-G-T.
Other names: c.3420G>T, p.Glu1140Asp (NM_001349608.2, NM_001349612.2); c.3510G>T, p.Glu1170Asp (NM_001349609.2, NM_001349610.2, NM_001410737.1); c.639G>T, p.Glu213Asp (NM_001349613.1); c.582G>T, p.Glu194Asp (NM_001349614.1, NM_001349615.2, NM_001349616.2 and 10 more transcripts); c.3438G>T, p.Glu1146Asp (NM_001410738.1); short protein forms E1146D, E213D, E1170D, E1140D, E194D.
Identifiers: ClinVar variation 2870049 (VCV002870049.3), dbSNP rs759550867, ClinGen allele CA566965.